The following is an entry in ClinVar:

ClinVar aggregate classification (germline): Uncertain significance. Review status: criteria provided, multiple submitters, no conflicts (2 of 4 stars). 4 submissions from 4 submitters: Uncertain significance (4). Last evaluated 2026-02-02.

Conditions:
Inborn genetic diseases. Identifiers: MedGen C0950123, MeSH D030342.
Atrial fibrillation, familial, 7 (ATFB7). Identifiers: MedGen C2677106, MONDO:0012828, OMIM 612240.

Submissions (4):

Women's Health and Genetics/Laboratory Corporation of America, LabCorp
Classification: Uncertain significance. Last evaluated: 2026-02-02. Review status: criteria provided, single submitter. Criteria: LabCorp Variant Classification Summary - May 2015. Collection method: clinical testing. Allele origin: germline.

Ambry Genetics
Classification: Uncertain significance for Inborn genetic diseases. Last evaluated: 2025-12-02. Review status: criteria provided, single submitter. Criteria: Ambry Variant Classification Scheme 2023. Collection method: clinical testing. Allele origin: germline.

Labcorp Genetics (formerly Invitae), Labcorp
Classification: Uncertain significance for Atrial fibrillation, familial, 7. Last evaluated: 2025-03-19. Review status: criteria provided, single submitter. Criteria: Invitae Variant Classification Sherloc (09022015). Collection method: clinical testing. Allele origin: germline.
Comment: This sequence change replaces glutamic acid, which is acidic and polar, with lysine, which is basic and polar, at codon 530 of the KCNA5 protein (p.Glu530Lys). This variant is not present in population databases (gnomAD no frequency). This variant has not been reported in the literature in individuals affected with KCNA5-related conditions. ClinVar contains an entry for this variant (Variation ID: 848914). Invitae Evidence Modeling of protein sequence and biophysical properties (such as structural, functional, and spatial information, amino acid conservation, physicochemical variation, residue mobility, and thermodynamic stability) indicates that this missense variant is not expected to disrupt KCNA5 protein function with a negative predictive value of 80%. In summary, the available evidence is currently insufficient to determine the role of this variant in disease. Therefore, it has been classified as a Variant of Uncertain Significance.

GeneDx
Classification: Uncertain significance. Last evaluated: 2020-07-13. Review status: criteria provided, single submitter. Criteria: GeneDx Variant Classification Process June 2021. Collection method: clinical testing. Allele origin: germline. Affected: yes.
Comment: Not observed in large population cohorts (Lek et al., 2016); In silico analysis supports that this missense variant has a deleterious effect on protein structure/function; Has not been previously published as pathogenic or benign to our knowledge

NM_002234.4(KCNA5):c.1588G>A (p.Glu530Lys)

Gene: KCNA5 (potassium voltage-gated channel subfamily A member 5; plus strand). Cytogenetic location: 12p13.32.
Variant type: single nucleotide variant.
Coding change: c.1588G>A on transcript NM_002234.4 (MANE Select); coding-DNA position 1588, G replaced by A.
Protein change: p.Glu530Lys; replaces glutamic acid 530 with lysine.
Molecular consequence: missense variant.
Genome position (GRCh38, 1-based): chr12:5,045,735, G>A. VCF-style: chr12-5045735-G-A. GRCh37 (hg19) VCF-style: chr12-5154901-G-A.
Other names: short protein forms E530K.
Identifiers: ClinVar variation 848914 (VCV000848914.6), dbSNP rs915470188, ClinGen allele CA231869110.